The following is an entry in ClinVar:

NM_001849.4(COL6A2):c.1968A>T (p.Thr656=)

Gene: COL6A2 (collagen type VI alpha 2 chain; plus strand). Cytogenetic location: 21q22.3.
Variant type: single nucleotide variant.
Coding change: c.1968A>T on transcript NM_001849.4 (MANE Select); coding-DNA position 1968, A replaced by T.
Protein change: p.Thr656=; no amino-acid change (threonine 656 retained).
Molecular consequence: synonymous variant.
Genome position (GRCh38, 1-based): chr21:46,125,616, A>T. VCF-style: chr21-46125616-A-T. GRCh37 (hg19) VCF-style: chr21-47545530-A-T.
Other names: c.1968A>T, p.Thr656= (NM_058174.3, NM_058175.3).
Identifiers: ClinVar variation 3239149 (VCV003239149.19), dbSNP rs1424248212.

ClinVar aggregate classification (germline): Likely benign (1 of 4 stars; one submission).

Submission:

CeGaT Center for Human Genetics Tuebingen
Classification: Likely benign. Last evaluated: 2024-05-01. Review status: criteria provided, single submitter. Criteria: CeGaT Center For Human Genetics Tuebingen Variant Classification Criteria Version 2. Collection method: clinical testing. Allele origin: germline. Affected: yes. Observed: 1 variant allele.
Comment: COL6A2: PM2:Supporting, BP4, BP7